The following is an entry in ClinVar:

NM_181872.6(DMRT2):c.52G>C (p.Glu18Gln)

Gene: DMRT2 (doublesex and mab-3 related transcription factor 2; plus strand). Cytogenetic location: 9p24.3.
Variant type: single nucleotide variant.
Coding change: c.52G>C on transcript NM_181872.6 (MANE Select); coding-DNA position 52, G replaced by C.
Protein change: p.Glu18Gln; replaces glutamic acid 18 with glutamine.
Molecular consequence: missense variant. On other transcripts: 5 prime UTR variant (1), non-coding transcript variant (1).
Genome position (GRCh38, 1-based): chr9:1,051,665, G>C. VCF-style: chr9-1051665-G-C. GRCh37 (hg19) VCF-style: chr9-1051665-G-C.
Other names: c.52G>C, p.Glu18Gln (NM_001130865.3, NM_001370531.1, NM_001370533.1 and 4 more transcripts); c.-599G>C (NM_001370532.1); short protein forms E18Q.
Identifiers: ClinVar variation 4702132 (VCV004702132.1).

ClinVar aggregate classification (germline): Uncertain significance (1 of 4 stars; one submission).

gnomAD v4.1: 67 of 1,570,452 alleles (0.0043%); highest among the groups gnomAD compares: Non-Finnish European, 0.0055%; no homozygotes.

Submission:

Labcorp Genetics (formerly Invitae), Labcorp
Classification: Uncertain significance. Last evaluated: 2025-09-08. Review status: criteria provided, single submitter. Criteria: Invitae Variant Classification Sherloc (09022015). Collection method: clinical testing. Allele origin: germline.
Comment: This sequence change replaces glutamic acid, which is acidic and polar, with glutamine, which is neutral and polar, at codon 18 of the DMRT2 protein (p.Glu18Gln). This variant is present in population databases (rs553366710, gnomAD 0.004%). This variant has not been reported in the literature in individuals affected with DMRT2-related conditions. An algorithm developed to predict the effect of missense changes on protein structure and function (PolyPhen-2) suggests that this variant is likely to be disruptive. In summary, the available evidence is currently insufficient to determine the role of this variant in disease. Therefore, it has been classified as a Variant of Uncertain Significance.